The following is an entry in ClinVar:

ClinVar aggregate classification (germline): Likely pathogenic. Review status: criteria provided, multiple submitters, no conflicts (2 of 4 stars). 2 submissions from 2 submitters: Likely pathogenic (2). Last evaluated 2025-03-27.

Conditions:
Congenital lipoid adrenal hyperplasia due to STAR deficency. Also called: ADRENAL HYPERPLASIA I; Cholesterol monooxygenase (side-chain cleaving) deficiency; Congenital Lipoid Adrenal Hyperplasia; Lipoid adrenal hyperplasia. Identifiers: Orphanet 418, Orphanet 90790, MedGen C0342474, MONDO:0008725, OMIM 201710.

Allele frequency attached by ClinVar (database versions not stated): gnomAD exomes below 0.00001.

Submissions (2):

Revvity Omics, Revvity
Classification: Likely pathogenic for Congenital lipoid adrenal hyperplasia due to STAR deficency. Last evaluated: 2025-03-27. Review status: criteria provided, single submitter. Criteria: ACMG Guidelines, 2015. Collection method: clinical testing. Allele origin: germline.

Labcorp Genetics (formerly Invitae), Labcorp
Classification: Likely pathogenic. Last evaluated: 2023-10-23. Review status: criteria provided, single submitter. Criteria: Invitae Variant Classification Sherloc (09022015). Collection method: clinical testing. Allele origin: germline.
Comment: This sequence change affects an acceptor splice site in intron 3 of the STAR gene. It is expected to disrupt RNA splicing. Variants that disrupt the donor or acceptor splice site typically lead to a loss of protein function (PMID: 16199547), and loss-of-function variants in STAR are known to be pathogenic (PMID: 8948562). This variant is not present in population databases (gnomAD no frequency). This variant has not been reported in the literature in individuals affected with STAR-related conditions. Algorithms developed to predict the effect of sequence changes on RNA splicing suggest that this variant may disrupt the consensus splice site. In summary, the currently available evidence indicates that the variant is pathogenic, but additional data are needed to prove that conclusively. Therefore, this variant has been classified as Likely Pathogenic.

Literature cited by the submitters: PubMed 16199547 (cited by Labcorp Genetics (formerly Invitae), Labcorp); PubMed 8948562 (cited by Labcorp Genetics (formerly Invitae), Labcorp).

NM_000349.3(STAR):c.307-1G>C

Gene: STAR (steroidogenic acute regulatory protein; minus strand). Cytogenetic location: 8p11.23.
Variant type: single nucleotide variant.
Coding change: c.307-1G>C on transcript NM_000349.3 (MANE Select); the canonical splice acceptor site of the intron before coding-DNA position 307, G replaced by C.
Molecular consequence: splice acceptor variant.
Genome position (GRCh38, 1-based): chr8:38,146,448, C>G on the plus strand (G>C on the coding strand, the complement: STAR is on the minus strand). VCF-style: chr8-38146448-C-G. GRCh37 (hg19) VCF-style: chr8-38003966-C-G.
Identifiers: ClinVar variation 2771282 (VCV002771282.4), dbSNP rs2130614519, ClinGen allele CA370701279.
Genomic context (GRCh38, chr8:38,146,448, plus strand): 5'-CAGCCGGAACACCTTGCCCACATCTGGGACCACTTTACTCATCACTTTGTCCCCATTGTC[C>G]TGTCAGAGAAAGGAGCCCCCAGAAGGTGGTTAGACAAAAATATTCTTGGCCGGGCATGGT-3'